The following is an entry in ClinVar:

NM_004525.3(LRP2):c.6442C>T (p.Arg2148Trp)

Gene: LRP2 (LDL receptor related protein 2; minus strand). Cytogenetic location: 2q31.1.
Variant type: single nucleotide variant.
Coding change: c.6442C>T on transcript NM_004525.3 (MANE Select); coding-DNA position 6442, C replaced by T.
Protein change: p.Arg2148Trp; replaces arginine 2148 with tryptophan.
Molecular consequence: missense variant.
Genome position (GRCh38, 1-based): chr2:169,209,480, G>A on the plus strand (C>T on the coding strand, the complement: LRP2 is on the minus strand). VCF-style: chr2-169209480-G-A. GRCh37 (hg19) VCF-style: chr2-170065990-G-A.
Other names: short protein forms R2148W.
Identifiers: ClinVar variation 211400 (VCV000211400.9), dbSNP rs774074912, ClinGen allele CA206914.

ClinVar aggregate classification (germline): Uncertain significance. Review status: criteria provided, multiple submitters, no conflicts (2 of 4 stars). 3 submissions from 3 submitters: Uncertain significance (3). Last evaluated 2024-03-06.

Allele frequency attached by ClinVar (database versions not stated): gnomAD exomes below 0.00001 and 0.00001; ExAC 0.00002.
gnomAD v4.1: 5 of 1,613,908 alleles (0.00031%); highest among the groups gnomAD compares: South Asian, 0.0022%; no homozygotes.

Submissions (3):

GeneDx
Classification: Uncertain significance. Last evaluated: 2024-03-06. Review status: criteria provided, single submitter. Criteria: GeneDx Variant Classification Process June 2021. Collection method: clinical testing. Allele origin: germline. Affected: yes.
Comment: In silico analysis supports that this missense variant has a deleterious effect on protein structure/function; Has not been previously published as pathogenic or benign to our knowledge

Labcorp Genetics (formerly Invitae), Labcorp
Classification: Uncertain significance. Last evaluated: 2022-08-16. Review status: criteria provided, single submitter. Criteria: Invitae Variant Classification Sherloc (09022015). Collection method: clinical testing. Allele origin: germline.
Comment: This sequence change replaces arginine, which is basic and polar, with tryptophan, which is neutral and slightly polar, at codon 2148 of the LRP2 protein (p.Arg2148Trp). This variant is present in population databases (rs774074912, gnomAD 0.007%). This variant has not been reported in the literature in individuals affected with LRP2-related conditions. ClinVar contains an entry for this variant (Variation ID: 211400). Algorithms developed to predict the effect of missense changes on protein structure and function (SIFT, PolyPhen-2, Align-GVGD) all suggest that this variant is likely to be disruptive. In summary, the available evidence is currently insufficient to determine the role of this variant in disease. Therefore, it has been classified as a Variant of Uncertain Significance.

Genetic Services Laboratory, University of Chicago
Classification: Uncertain significance. Last evaluated: 2014-07-01. Review status: criteria provided, single submitter. Criteria: ACMG Guidelines, 2015. Collection method: clinical testing. Allele origin: germline.